The following is an entry in ClinVar:

ClinVar aggregate classification (germline): Likely benign (1 of 4 stars; one submission).

Allele frequency attached by ClinVar (database versions not stated): 1000 Genomes Project 30x 0.00203; 1000 Genomes Project 0.00280; gnomAD 0.00380; ExAC 0.00583; ESP Exome Variant Server 0.00593; gnomAD exomes 0.00745.
gnomAD v4.1: 11,380 of 1,613,046 alleles (0.71%); highest among the groups gnomAD compares: Non-Finnish European, 0.82%; no homozygotes.

Submission:

CeGaT Center for Human Genetics Tuebingen
Classification: Likely benign. Last evaluated: 2024-06-01. Review status: criteria provided, single submitter. Criteria: CeGaT Center For Human Genetics Tuebingen Variant Classification Criteria Version 2. Collection method: clinical testing. Allele origin: germline. Affected: yes. Observed: 1 variant allele.
Comment: OR9G1: BP4, BP7

NM_001005213.2(OR9G1):c.666C>A (p.Thr222=)

Gene: OR9G1 (olfactory receptor family 9 subfamily G member 1; plus strand). Cytogenetic location: 11q12.1.
Variant type: single nucleotide variant.
Coding change: c.666C>A on transcript NM_001005213.2 (MANE Select); coding-DNA position 666, C replaced by A.
Protein change: p.Thr222=; no amino-acid change (threonine 222 retained).
Molecular consequence: synonymous variant.
Genome position (GRCh38, 1-based): chr11:56,701,053, C>A. VCF-style: chr11-56701053-C-A. GRCh37 (hg19) VCF-style: chr11-56468529-C-A.
Identifiers: ClinVar variation 3250529 (VCV003250529.18), dbSNP rs139056489.